The following is an entry in ClinVar:

ClinVar aggregate classification (germline): Uncertain significance (1 of 4 stars; one submission).

Conditions:
Noonan syndrome (NS). Also called: Noonan's syndrome. Identifiers: Orphanet 648, MedGen C0028326, MeSH D009634, MONDO:0018997. Disease mechanism: gain of function.

Submission:

Labcorp Genetics (formerly Invitae), Labcorp
Classification: Uncertain significance for Noonan syndrome. Last evaluated: 2024-11-07. Review status: criteria provided, single submitter. Criteria: Invitae Variant Classification Sherloc (09022015). Collection method: clinical testing. Allele origin: germline.
Comment: This sequence change replaces arginine, which is basic and polar, with glycine, which is neutral and non-polar, at codon 15 of the RRAS protein (p.Arg15Gly). This variant is not present in population databases (gnomAD no frequency). This variant has not been reported in the literature in individuals affected with RRAS-related conditions. An algorithm developed to predict the effect of missense changes on protein structure and function (PolyPhen-2) suggests that this variant is likely to be disruptive. In summary, the available evidence is currently insufficient to determine the role of this variant in disease. Therefore, it has been classified as a Variant of Uncertain Significance.

NM_006270.5(RRAS):c.43C>G (p.Arg15Gly)

Gene: RRAS (RAS related; minus strand). Cytogenetic location: 19q13.33.
Variant type: single nucleotide variant.
Coding change: c.43C>G on transcript NM_006270.5 (MANE Select); coding-DNA position 43, C replaced by G.
Protein change: p.Arg15Gly; replaces arginine 15 with glycine.
Molecular consequence: missense variant.
Genome position (GRCh38, 1-based): chr19:49,640,056, G>C on the plus strand (C>G on the coding strand, the complement: RRAS is on the minus strand). VCF-style: chr19-49640056-G-C. GRCh37 (hg19) VCF-style: chr19-50143313-G-C.
Other names: short protein forms R15G.
Identifiers: ClinVar variation 3622273 (VCV003622273.2).